The following is an entry in ClinVar:

NM_016492.5(RANGRF):c.41T>C (p.Phe14Ser)

Genes: RANGRF (RAN guanine nucleotide release factor; plus strand), SLC25A35 (solute carrier family 25 member 35; minus strand). Cytogenetic location: 17p13.1.
Variant type: single nucleotide variant.
Coding change: c.41T>C on transcript NM_016492.5 (MANE Select); coding-DNA position 41, T replaced by C.
Protein change: p.Phe14Ser; replaces phenylalanine 14 with serine.
Molecular consequence: missense variant. On other transcripts: 3 prime UTR variant (1), non-coding transcript variant (1), intron variant (1).
Genome position (GRCh38, 1-based): chr17:8,288,829, T>C. VCF-style: chr17-8288829-T-C. GRCh37 (hg19) VCF-style: chr17-8192147-T-C.
Other names: c.41T>C, p.Phe14Ser (NM_001177801.2, NM_001177802.2, NM_001330127.2); c.*787A>G (NM_201520.3); c.*43-397A>G (NM_001320871.2); short protein forms F14S.
Identifiers: ClinVar variation 4808349 (VCV004808349.1).
Genomic context (GRCh38, chr17:8,288,829, plus strand): 5'-CATAACCCAGCCTCAGACCCATGGAGCCCACGAGAGACTGCCCGCTGTTCGGGGGCGCCT[T>C]TTCCGCCATCCTCCCCATGGGGGCCATTGACGTAAGGTGAGAAGGCCGGGGCGCCCAGGG-3'
Protein context (NP_057576.2, residues 4-24): TRDCPLFGGA[Phe14Ser]SAILPMGAID

ClinVar aggregate classification (germline): Uncertain significance (1 of 4 stars; one submission).

Conditions:
Cardiac arrhythmia. Also called: Arrhythmia; Cardiac rhythm disease. Identifiers: MedGen C0003811, MONDO:0007263, HP:0011675.

Submission:

Labcorp Genetics (formerly Invitae), Labcorp
Classification: Uncertain significance for Cardiac arrhythmia. Last evaluated: 2025-10-28. Review status: criteria provided, single submitter. Criteria: Invitae Variant Classification Sherloc (09022015). Collection method: clinical testing. Allele origin: germline.
Comment: This sequence change replaces phenylalanine, which is neutral and non-polar, with serine, which is neutral and polar, at codon 14 of the RANGRF protein (p.Phe14Ser). This variant is present in population databases (rs201464864, gnomAD 0.2%), and has an allele count higher than expected for a pathogenic variant. This variant has not been reported in the literature in individuals affected with RANGRF-related conditions. An algorithm developed to predict the effect of missense changes on protein structure and function (PolyPhen-2) suggests that this variant is likely to be disruptive. In summary, the available evidence is currently insufficient to determine the role of this variant in disease. Therefore, it has been classified as a Variant of Uncertain Significance.